The following is an entry in ClinVar:

NM_015158.5(KANK1):c.646T>C (p.Tyr216His)

Gene: KANK1 (KN motif and ankyrin repeat domains 1; plus strand). Cytogenetic location: 9p24.3.
Variant type: single nucleotide variant.
Coding change: c.646T>C on transcript NM_015158.5 (MANE Select); coding-DNA position 646, T replaced by C.
Protein change: p.Tyr216His; replaces tyrosine 216 with histidine.
Molecular consequence: missense variant. On other transcripts: non-coding transcript variant (1).
Genome position (GRCh38, 1-based): chr9:711,412, T>C. VCF-style: chr9-711412-T-C. GRCh37 (hg19) VCF-style: chr9-711412-T-C.
Other names: c.646T>C, p.Tyr216His (NM_001256876.3, NM_001256877.3, NM_001354331.2 and 2 more transcripts); c.172T>C, p.Tyr58His (NM_001354333.2, NM_001354335.2, NM_001354336.2 and 9 more transcripts); short protein forms Y216H, Y58H.
Identifiers: ClinVar variation 1993391 (VCV001993391.4), dbSNP rs2539692277, ClinGen allele CA372746579.

ClinVar aggregate classification (germline): Uncertain significance (1 of 4 stars; one submission).

Allele frequency attached by ClinVar (database versions not stated): gnomAD exomes below 0.00001.
gnomAD v4.1: 1 of 1,614,180 alleles (0.000062%); highest among the groups gnomAD compares: Non-Finnish European, 0.000085%; no homozygotes.

Submission:

Labcorp Genetics (formerly Invitae), Labcorp
Classification: Uncertain significance. Last evaluated: 2022-05-12. Review status: criteria provided, single submitter. Criteria: Invitae Variant Classification Sherloc (09022015). Collection method: clinical testing. Allele origin: germline.
Comment: In summary, the available evidence is currently insufficient to determine the role of this variant in disease. Therefore, it has been classified as a Variant of Uncertain Significance. Algorithms developed to predict the effect of missense changes on protein structure and function are either unavailable or do not agree on the potential impact of this missense change (SIFT: "Deleterious"; PolyPhen-2: "Benign"; Align-GVGD: "Class C0"). This variant has not been reported in the literature in individuals affected with KANK1-related conditions. This variant is not present in population databases (gnomAD no frequency). This sequence change replaces tyrosine, which is neutral and polar, with histidine, which is basic and polar, at codon 216 of the KANK1 protein (p.Tyr216His).